The following is an entry in ClinVar:

ClinVar aggregate classification (germline): Likely pathogenic (1 of 4 stars; one submission).

Conditions:
Primary dilated cardiomyopathy (DCM). Also called: Dilated Cardiomyopathy. Identifiers: Orphanet 217604, MedGen C0007193, MeSH D002311, MONDO:0005021, HP:0001644. Inheritance: Various modes of inheritance.

Submission:

Cardiovascular Biomedical Research Unit, Royal Brompton & Harefield NHS Foundation Trust
Classification: Likely pathogenic for Primary dilated cardiomyopathy. Last evaluated: 2014-10-08. Review status: criteria provided, single submitter. Criteria: Roberts et al. 2015. Collection method: research. Allele origin: germline. Inheritance: Autosomal dominant inheritance. Affected: yes. Observed: 1 variant allele. Study: Unselected DCM.
Comment: In the seven cohorts assessed, TTNtv were found in 14% of ambulant DCM, 22% end-stage or familial DCM, and 2% controls. Heterozygous nonsense, frameshift and canonical splice-disrupting variants found in constitutive and other highly utilised exons are highly likely to be pathogenic when identified in individuals with phenotypically confirmed DCM. TTNtv found incidentally in healthy individuals (excluding familial assessment of DCM relatives) are thought to have low penetrance, particularly when identified in exons that are not constitutively expressed in the heart.

NM_001267550.2(TTN):c.45756dup (p.Tyr15253fs)

Gene: TTN (titin; minus strand). Cytogenetic location: 2q31.2.
Variant type: Duplication.
Coding change: c.45756dup on transcript NM_001267550.2 (MANE Select); coding-DNA position 45756, one base duplicated (A; older notation c.45756dupA).
Protein change: p.Tyr15253fs; shifts the reading frame from tyrosine 15253.
Molecular consequence: frameshift variant.
Genome position (GRCh38, 1-based): chr2:178,620,854, T duplicated on the plus strand (A on the coding strand, the reverse complement: TTN is on the minus strand); the first of 4 consecutive T bases (chr2:178,620,854-178,620,857); duplicating any one gives the same sequence. VCF-style (leftmost placement, unchanged base first): chr2-178620853-A-AT. GRCh37 (hg19) VCF-style: chr2-179485580-A-AT.
Other names: c.40833dup, p.Tyr13612fs (NM_001256850.1); c.18561dup, p.Tyr6188fs (NM_003319.4); c.38052dup, p.Tyr12685fs (NM_133378.4); c.18936dup, p.Tyr6313fs (NM_133432.3); c.19137dup, p.Tyr6380fs (NM_133437.4); c.45756dupA (LRG_391t1); short protein forms Y15253fs, Y6380fs, Y12685fs, Y13612fs, Y6188fs, Y6313fs.
Identifiers: ClinVar variation 224649 (VCV000224649.1), dbSNP rs869312045, ClinGen allele CA353568.